The following is an entry in ClinVar:

ClinVar aggregate classification (germline): Likely benign. Review status: criteria provided, multiple submitters, no conflicts (2 of 4 stars). 3 submissions from 3 submitters: Likely benign (2). 1 of the submissions does not count toward it. Last evaluated 2025-12-01.

Conditions:
NNT-related disorder. Also called: NNT-related condition.

Allele frequency attached by ClinVar (database versions not stated): 1000 Genomes Project 0.00100; 1000 Genomes Project 30x 0.00109; gnomAD 0.00111 and 0.00115; TOPMed 0.00123; ExAC 0.00132; ESP Exome Variant Server 0.00138; gnomAD exomes 0.00144 and 0.00179.
gnomAD v4.1: 2,769 of 1,610,882 alleles (0.17%); highest among the groups gnomAD compares: Admixed American, 0.24%; 3 homozygotes.

Submissions (3):

CeGaT Center for Human Genetics Tuebingen
Classification: Likely benign. Last evaluated: 2025-12-01. Review status: criteria provided, single submitter. Criteria: CeGaT Center For Human Genetics Tuebingen Variant Classification Criteria Version 2. Collection method: clinical testing. Allele origin: germline. Affected: yes. Observed: 1 variant allele.
Comment: NNT: BP4, BS1

Labcorp Genetics (formerly Invitae), Labcorp
Classification: Likely benign. Last evaluated: 2025-11-02. Review status: criteria provided, single submitter. Criteria: Invitae Variant Classification Sherloc (09022015). Collection method: clinical testing. Allele origin: germline.

PreventionGenetics, part of Exact Sciences
Classification: Likely benign for NNT-related condition. Last evaluated: 2022-06-16. Review status: no assertion criteria provided. Collection method: clinical testing. Allele origin: germline. Not counted in ClinVar's aggregate classification.
Comment: This variant is classified as likely benign based on ACMG/AMP sequence variant interpretation guidelines (Richards et al. 2015 PMID: 25741868, with internal and published modifications).

NM_182977.3(NNT):c.2752A>G (p.Ile918Val)

Gene: NNT (nicotinamide nucleotide transhydrogenase; plus strand). Cytogenetic location: 5p12.
Variant type: single nucleotide variant.
Coding change: c.2752A>G on transcript NM_182977.3 (MANE Select); coding-DNA position 2752, A replaced by G.
Protein change: p.Ile918Val; replaces isoleucine 918 with valine.
Molecular consequence: missense variant.
Genome position (GRCh38, 1-based): chr5:43,675,628, A>G. VCF-style: chr5-43675628-A-G. GRCh37 (hg19) VCF-style: chr5-43675730-A-G.
Other names: c.2359A>G, p.Ile787Val (NM_001331026.2); c.2752A>G, p.Ile918Val (NM_012343.4); short protein forms I787V, I918V.
Identifiers: ClinVar variation 798164 (VCV000798164.17), dbSNP rs139893206, ClinGen allele CA3258311.